The following is an entry in ClinVar:

ClinVar aggregate classification (germline): Uncertain significance (1 of 4 stars; one submission).

Submission:

Labcorp Genetics (formerly Invitae), Labcorp
Classification: Uncertain significance. Last evaluated: 2023-01-01. Review status: criteria provided, single submitter. Criteria: Invitae Variant Classification Sherloc (09022015). Collection method: clinical testing. Allele origin: germline.
Comment: This sequence change replaces threonine, which is neutral and polar, with alanine, which is neutral and non-polar, at codon 2 of the DDX58 protein (p.Thr2Ala). This variant is not present in population databases (gnomAD no frequency). This variant has not been reported in the literature in individuals affected with DDX58-related conditions. Algorithms developed to predict the effect of missense changes on protein structure and function are either unavailable or do not agree on the potential impact of this missense change (SIFT: "Deleterious"; PolyPhen-2: "Possibly Damaging"; Align-GVGD: "Class C0"). In summary, the available evidence is currently insufficient to determine the role of this variant in disease. Therefore, it has been classified as a Variant of Uncertain Significance.

NM_014314.4(RIGI):c.4A>G (p.Thr2Ala)

Genes: RIGI (RNA sensor RIG-I; minus strand), LOC130001628 (ATAC-STARR-seq lymphoblastoid active region 28262; plus strand). Cytogenetic location: 9p21.1.
Variant type: single nucleotide variant.
Coding change: c.4A>G on transcript NM_014314.4 (MANE Select); coding-DNA position 4, A replaced by G.
Protein change: p.Thr2Ala; replaces threonine 2 with alanine.
Molecular consequence: missense variant. On other transcripts: 5 prime UTR variant (3).
Genome position (GRCh38, 1-based): chr9:32,526,163, T>C on the plus strand (A>G on the coding strand, the complement: RIGI is on the minus strand). VCF-style: chr9-32526163-T-C. GRCh37 (hg19) VCF-style: chr9-32526161-T-C.
Other names: c.4A>G, p.Thr2Ala (NM_001385907.1, NM_001385909.1, NM_001385913.1); c.-451A>G (NM_001385910.1, NM_001385914.1); c.-458A>G (NM_001385912.1); short protein forms T2A.
Identifiers: ClinVar variation 2823065 (VCV002823065.3), dbSNP rs2489411829, ClinGen allele CA373151456.